The following is an entry in ClinVar:

ClinVar aggregate classification (germline): Likely benign (1 of 4 stars; one submission).

Allele frequency attached by ClinVar (database versions not stated): 1000 Genomes Project 30x 0.00250; 1000 Genomes Project 0.00280; gnomAD 0.00542; TOPMed 0.00557.
gnomAD v4.1: 752 of 152,286 alleles (0.49%); highest among the groups gnomAD compares: African/African-American, 1.7%; 9 homozygotes.

Submission:

GeneDx
Classification: Likely benign. Last evaluated: 2018-06-19. Review status: criteria provided, single submitter. Criteria: GeneDx Variant Classification (06012015). Collection method: clinical testing. Allele origin: germline. Affected: yes.
Comment: This variant is considered likely benign or benign based on one or more of the following criteria: it is a conservative change, it occurs at a poorly conserved position in the protein, it is predicted to be benign by multiple in silico algorithms, and/or has population frequency not consistent with disease.

NM_006393.3(NEBL):c.799-252A>G

Gene: NEBL (nebulette; minus strand). Cytogenetic location: 10p12.31.
Variant type: single nucleotide variant.
Coding change: c.799-252A>G on transcript NM_006393.3 (MANE Select); 252 bases into the intron before coding-DNA position 799, A replaced by G.
Molecular consequence: intron variant.
Genome position (GRCh38, 1-based): chr10:20,858,596, T>C on the plus strand (A>G on the coding strand, the complement: NEBL is on the minus strand). VCF-style: chr10-20858596-T-C. GRCh37 (hg19) VCF-style: chr10-21147525-T-C.
Other names: c.250-45656A>G (NM_001377326.1, NM_001377327.1, NM_001377328.1); c.358-45656A>G (NM_213569.2, NM_001173484.2, NM_001377322.1); c.301-45656A>G (NM_001377324.1); c.292-45656A>G (NM_001377325.1); c.310-45656A>G (NM_001377323.1).
Identifiers: ClinVar variation 671858 (VCV000671858.1), dbSNP rs71541568, ClinGen allele CA204193203.